The following is an entry in ClinVar:

NM_002470.4(MYH3):c.4778G>C (p.Arg1593Thr)

Gene: MYH3 (myosin heavy chain 3; minus strand). Cytogenetic location: 17p13.1.
Variant type: single nucleotide variant.
Coding change: c.4778G>C on transcript NM_002470.4 (MANE Select); coding-DNA position 4778, G replaced by C.
Protein change: p.Arg1593Thr; replaces arginine 1593 with threonine.
Molecular consequence: missense variant.
Genome position (GRCh38, 1-based): chr17:10,632,654, C>G on the plus strand (G>C on the coding strand, the complement: MYH3 is on the minus strand). VCF-style: chr17-10632654-C-G. GRCh37 (hg19) VCF-style: chr17-10535971-C-G.
Other names: short protein forms R1593T.
Identifiers: ClinVar variation 321723 (VCV000321723.8), dbSNP rs781003211, ClinGen allele CA8392127.

ClinVar aggregate classification (germline): Uncertain significance. Review status: criteria provided, multiple submitters, no conflicts (2 of 4 stars). 3 submissions from 2 submitters: Uncertain significance (3). Last evaluated 2023-06-16.

Conditions:
Distal arthrogryposis type 2B1 (DA2B1). Also called: Arthrogryposis multiplex congenita distal type II with craniofacial abnormalities. Identifiers: Orphanet 1147, MedGen C5193014, MONDO:0020820, OMIM 601680.
Freeman-Sheldon syndrome (DA2A). Also called: CRANIOCARPOTARSAL DYSPLASIA; CRANIOCARPOTARSAL DYSTROPHY; WHISTLING FACE-WINDMILL VANE HAND SYNDROME; Arthrogryposis, distal, type 2A (Freeman-Sheldon). Identifiers: Orphanet 2053, MedGen C0265224, MONDO:0008675, OMIM 193700.

gnomAD v4.1: 10 of 1,614,222 alleles (0.00062%); highest among the groups gnomAD compares: South Asian, 0.011%; no homozygotes.

Submissions (3):

Labcorp Genetics (formerly Invitae), Labcorp
Classification: Uncertain significance. Last evaluated: 2023-06-16. Review status: criteria provided, single submitter. Criteria: Invitae Variant Classification Sherloc (09022015). Collection method: clinical testing. Allele origin: germline.
Comment: ClinVar contains an entry for this variant (Variation ID: 321723). Advanced modeling of protein sequence and biophysical properties (such as structural, functional, and spatial information, amino acid conservation, physicochemical variation, residue mobility, and thermodynamic stability) performed at Invitae indicates that this missense variant is not expected to disrupt MYH3 protein function. This variant has not been reported in the literature in individuals affected with MYH3-related conditions. This variant is present in population databases (rs781003211, gnomAD 0.01%). This sequence change replaces arginine, which is basic and polar, with threonine, which is neutral and polar, at codon 1593 of the MYH3 protein (p.Arg1593Thr). In summary, the available evidence is currently insufficient to determine the role of this variant in disease. Therefore, it has been classified as a Variant of Uncertain Significance.

Illumina Laboratory Services, Illumina
Classification: Uncertain significance for Freeman-Sheldon syndrome. Last evaluated: 2018-01-12. Review status: criteria provided, single submitter. Criteria: ICSL Variant Classification Criteria 13 December 2019. Collection method: clinical testing. Allele origin: germline.

Illumina Laboratory Services, Illumina
Classification: Uncertain significance for Distal arthrogryposis type 2B1. Last evaluated: 2018-01-12. Review status: criteria provided, single submitter. Criteria: ICSL Variant Classification Criteria 13 December 2019. Collection method: clinical testing. Allele origin: germline.